The following is an entry in ClinVar:

ClinVar aggregate classification (germline): Uncertain significance. Review status: criteria provided, single submitter (1 of 4 stars). 2 submissions from 2 submitters: Uncertain significance (1). 1 of the submissions does not count toward it. Last evaluated 2023-10-02.

Conditions:
Malignant hyperthermia, susceptibility to, 5 (MHS5). Also called: CACNA1S-Related Malignant Hyperthermia Susceptibility. Identifiers: Orphanet 423, MedGen C1866077, MONDO:0011163, OMIM 601887.
Congenital myopathy 18. Also called: DIHYDROPYRIDINE RECEPTOR CONGENITAL MYOPATHY; DHPR CONGENITAL MYOPATHY; Myopathy, congenital, due to dihydropyridine receptor defect. Identifiers: MedGen C5830283, MONDO:0859514, OMIM 620246.

Allele frequency attached by ClinVar (database versions not stated): TOPMed 0.00001.
gnomAD v4.1: 11 of 1,614,166 alleles (0.00068%); highest among the groups gnomAD compares: East Asian, 0.016%; no homozygotes.

Submissions (2):

All of Us Research Program, National Institutes of Health
Classification: Uncertain significance for Malignant hyperthermia, susceptibility to, 5. Last evaluated: 2023-10-02. Review status: criteria provided, single submitter. Criteria: ACMG Guidelines, 2015. Collection method: clinical testing. Allele origin: germline. Inheritance: Autosomal dominant inheritance. Observed: 1 variant allele, 1 heterozygote.
Comment: This missense variant replaces phenylalanine with leucine at codon 275 of the CACNA1S protein. Computational prediction suggests that this variant may have deleterious impact on protein structure and function (internally defined REVEL score threshold >= 0.7, PMID: 27666373). To our knowledge, functional studies have not been reported for this variant. This variant has not been reported in individuals affected with autosomal dominant malignant hyperthermia in the literature, although it is associated with other phenotype(s) (ClinVar variation ID: 2443902). This variant has been identified in 10/282802 chromosomes in the general population by the Genome Aggregation Database (gnomAD). Due to insufficient evidence, this variant is classified as a Variant of Uncertain Significance for autosomal dominant malignant hyperthermia.

This study involves interpretation of variants in research participants for the purpose of population health screening. Participant phenotype was not available at the time of variant classification. Additional details can be found in publication PMID: 35346344, PMCID: PMC8962531

OMIM
Classification: Pathogenic for CONGENITAL MYOPATHY 18, AUTOSOMAL RECESSIVE. Last evaluated: 2024-07-16. Review status: no assertion criteria provided. Collection method: literature only. Allele origin: germline. Not counted in ClinVar's aggregate classification.

Literature cited by the submitters: PubMed 28012042 (cited by OMIM).

NM_000069.3(CACNA1S):c.825C>A (p.Phe275Leu)

Gene: CACNA1S (calcium voltage-gated channel subunit alpha1 S; minus strand). Cytogenetic location: 1q32.1.
Variant type: single nucleotide variant.
Coding change: c.825C>A on transcript NM_000069.3 (MANE Select); coding-DNA position 825, C replaced by A.
Protein change: p.Phe275Leu; replaces phenylalanine 275 with leucine.
Molecular consequence: missense variant.
Genome position (GRCh38, 1-based): chr1:201,089,333, G>T on the plus strand (C>A on the coding strand, the complement: CACNA1S is on the minus strand). VCF-style: chr1-201089333-G-T. GRCh37 (hg19) VCF-style: chr1-201058461-G-T.
Other names: F275L.
Identifiers: ClinVar variation 2443902 (VCV002443902.3), dbSNP rs767806564, ClinGen allele CA084008.